The following is an entry in ClinVar:

NM_002474.3(MYH11):c.4658A>G (p.Asp1553Gly)

Genes: MYH11 (myosin heavy chain 11; minus strand), NDE1 (nudE neurodevelopment protein 1; plus strand). Cytogenetic location: 16p13.11.
Variant type: single nucleotide variant.
Coding change: c.4658A>G on transcript NM_002474.3 (MANE Select); coding-DNA position 4658, A replaced by G.
Protein change: p.Asp1553Gly; replaces aspartic acid 1553 with glycine.
Molecular consequence: missense variant. On other transcripts: intron variant (2).
Genome position (GRCh38, 1-based): chr16:15,720,972, T>C on the plus strand (A>G on the coding strand, the complement: MYH11 is on the minus strand). VCF-style: chr16-15720972-T-C. GRCh37 (hg19) VCF-style: chr16-15814829-T-C.
Other names: c.4679A>G, p.Asp1560Gly (NM_001040113.2, NM_001040114.2); c.4658A>G, p.Asp1553Gly (NM_022844.3); c.948-3219T>C (NM_001143979.2, NM_017668.3); short protein forms D1553G, D1560G.
Identifiers: ClinVar variation 4796668 (VCV004796668.1).

ClinVar aggregate classification (germline): Uncertain significance (1 of 4 stars; one submission).

gnomAD v4.1: 1 of 1,614,042 alleles (0.000062%); highest among the groups gnomAD compares: Non-Finnish European, 0.000085%; no homozygotes.

Submission:

GeneDx
Classification: Uncertain significance. Last evaluated: 2025-08-23. Review status: criteria provided, single submitter. Criteria: GeneDx Variant Classification Process June 2021. Collection method: clinical testing. Allele origin: germline. Affected: yes.
Comment: Not observed at significant frequency in large population cohorts (gnomAD); In silico analysis supports that this missense variant has a deleterious effect on protein structure/function; Has not been previously published as pathogenic or benign to our knowledge; This variant is associated with the following publications: (PMID: 21529752)